The following is an entry in ClinVar:

ClinVar aggregate classification (germline): Uncertain significance (1 of 4 stars; one submission).

Conditions:
Autosomal recessive nonsyndromic hearing loss 26. Also called: Deafness, autosomal recessive 26. Identifiers: Orphanet 90636, MedGen C1854275, MONDO:0011553, OMIM 605428.

Submission:

MVZ Medizinische Genetik Mainz
Classification: Uncertain significance for Autosomal recessive nonsyndromic hearing loss 26. Last evaluated: 2022-07-28. Review status: criteria provided, single submitter. Criteria: UK Practice Guidelines For Variant Classification V4 01 2020. Collection method: clinical testing. Allele origin: germline. Inheritance: Autosomal recessive inheritance. Affected: yes. Observed: 1 variant allele.
Comment: ACMG Criteria: PM4, PM2_SUP, PM3_SUP, PP3

NM_002039.4(GAB1):c.1460_1462del (p.Met487_Gln488delinsLys)

Gene: GAB1 (GRB2 associated binding protein 1; plus strand). Cytogenetic location: 4q31.21.
Variant type: Deletion.
Coding change: c.1460_1462del on transcript NM_002039.4 (MANE Select); coding-DNA positions 1460 to 1462, 3 bases deleted (TGC; older notation c.1460_1462delTGC).
Protein change: p.Met487_Gln488delinsLys.
Molecular consequence: inframe indel.
Genome position (GRCh38, 1-based): chr4:143,440,257-143,440,259, TGC deleted. VCF-style (leftmost placement, unchanged base first): chr4-143440256-ATGC-A. GRCh37 (hg19) VCF-style: chr4-144361409-ATGC-A.
Other names: c.1460_1462del, p.Met487_Gln488delinsLys (NM_207123.3).
Identifiers: ClinVar variation 3066331 (VCV003066331.1), dbSNP rs2531268283, ClinGen allele CA2740097834.